The following is an entry in ClinVar:

NM_003038.5(SLC1A4):c.656A>C (p.Glu219Ala)

Gene: SLC1A4 (solute carrier family 1 member 4; plus strand). Cytogenetic location: 2p14.
Variant type: single nucleotide variant.
Coding change: c.656A>C on transcript NM_003038.5 (MANE Select); coding-DNA position 656, A replaced by C.
Protein change: p.Glu219Ala; replaces glutamic acid 219 with alanine.
Molecular consequence: missense variant. On other transcripts: 5 prime UTR variant (3).
Genome position (GRCh38, 1-based): chr2:65,010,619, A>C. VCF-style: chr2-65010619-A-C. GRCh37 (hg19) VCF-style: chr2-65237753-A-C.
Other names: c.-5A>C (NM_001193493.2, NM_001348406.2, NM_001348407.2); short protein forms E219A.
Identifiers: ClinVar variation 1374956 (VCV001374956.5), dbSNP rs34259099, ClinGen allele CA1685950.
Genomic context (GRCh38, chr2:65,010,619, plus strand): 5'-TCTGTTGTAAACTTGTTCTATCCTCTCTGATCCTGCAGATCCCCATAGGCACTGAGATAG[A>C]AGGGATGAACATTTTAGGATTGGTCCTGTTTGCTCTGGTGTTAGGAGTGGCCTTAAAGAA-3'
Protein context (NP_003029.2, residues 209-229): HEKIPIGTEI[Glu219Ala]GMNILGLVLF

ClinVar aggregate classification (germline): Uncertain significance (1 of 4 stars; one submission).

Allele frequency attached by ClinVar (database versions not stated): TOPMed 0.00012; gnomAD 0.00013 and 0.00014; ExAC 0.00017; ESP Exome Variant Server 0.00023.
gnomAD v4.1: 350 of 1,612,550 alleles (0.022%); highest among the groups gnomAD compares: Non-Finnish European, 0.028%; no homozygotes.

Submission:

Labcorp Genetics (formerly Invitae), Labcorp
Classification: Uncertain significance. Last evaluated: 2022-08-05. Review status: criteria provided, single submitter. Criteria: Invitae Variant Classification Sherloc (09022015). Collection method: clinical testing. Allele origin: germline.
Comment: This sequence change replaces glutamic acid, which is acidic and polar, with alanine, which is neutral and non-polar, at codon 219 of the SLC1A4 protein (p.Glu219Ala). This variant is present in population databases (rs34259099, gnomAD 0.02%). This variant has not been reported in the literature in individuals affected with SLC1A4-related conditions. ClinVar contains an entry for this variant (Variation ID: 1374956). Algorithms developed to predict the effect of missense changes on protein structure and function are either unavailable or do not agree on the potential impact of this missense change (SIFT: "Deleterious"; PolyPhen-2: "Benign"; Align-GVGD: "Class C0"). In summary, the available evidence is currently insufficient to determine the role of this variant in disease. Therefore, it has been classified as a Variant of Uncertain Significance.